The following is an entry in ClinVar:

ClinVar aggregate classification (germline): Benign/Likely benign. Review status: criteria provided, multiple submitters, no conflicts (2 of 4 stars). 2 submissions from 2 submitters: Benign (1); Likely benign (1). Last evaluated 2024-03-14.

Conditions:
Hereditary cancer-predisposing syndrome. Also called: Hereditary Cancer Syndrome; Hereditary neoplastic syndrome; Tumor predisposition; Neoplastic Syndromes, Hereditary. Identifiers: Orphanet 140162, MedGen C0027672, MeSH D009386, MONDO:0015356.
Familial adenomatous polyposis 1 (FAP1). Also called: FAMILIAL ADENOMATOUS POLYPOSIS 1, ATTENUATED; POLYPOSIS, ADENOMATOUS INTESTINAL. Identifiers: MedGen C2713442, MONDO:0021056, OMIM 175100. Disease mechanism: loss of function.

Submissions (2):

Myriad Genetics, Inc.
Classification: Benign for Familial adenomatous polyposis 1. Last evaluated: 2024-03-14. Review status: criteria provided, single submitter. Criteria: Myriad Autosomal Dominant, Autosomal Recessive and X-Linked Classification Criteria (2023). Collection method: clinical testing. Allele origin: unknown.
Comment: This variant is considered benign. This variant is a silent/synonymous amino acid change and it is not expected to impact splicing.

Ambry Genetics
Classification: Likely benign for Hereditary cancer-predisposing syndrome. Last evaluated: 2021-05-21. Review status: criteria provided, single submitter. Criteria: Ambry Variant Classification Scheme 2023. Collection method: clinical testing. Allele origin: germline.

NM_000038.6(APC):c.2493A>G (p.Leu831=)

Gene: APC (APC regulator of Wnt signaling pathway; plus strand). Cytogenetic location: 5q22.2.
Variant type: single nucleotide variant.
Coding change: c.2493A>G on transcript NM_000038.6 (MANE Select); coding-DNA position 2493, A replaced by G.
Protein change: p.Leu831=; no amino-acid change (leucine 831 retained).
Molecular consequence: synonymous variant. On other transcripts: non-coding transcript variant (2).
Genome position (GRCh38, 1-based): chr5:112,838,087, A>G. VCF-style: chr5-112838087-A-G. GRCh37 (hg19) VCF-style: chr5-112173784-A-G.
Other names: c.2493A>G, p.Leu831= (NM_001127510.3, NM_001354895.2, NM_001407450.1); c.2439A>G, p.Leu813= (NM_001127511.3); c.2547A>G, p.Leu849= (NM_001354896.2, NM_001407447.1, NM_001407448.1 and 1 more transcripts); c.2523A>G, p.Leu841= (NM_001354897.2); c.2418A>G, p.Leu806= (NM_001354898.2); c.2409A>G, p.Leu803= (NM_001354899.2); c.2370A>G, p.Leu790= (NM_001354900.2); c.2316A>G, p.Leu772= (NM_001354901.2, NM_001407453.1); and 11 more.
Identifiers: ClinVar variation 1792097 (VCV001792097.2), dbSNP rs2149870884, ClinGen allele CA445962797.